The following is an entry in ClinVar:

NM_007194.4(CHEK2):c.392A>G (p.Lys131Arg)

Gene: CHEK2 (checkpoint kinase 2; minus strand). Cytogenetic location: 22q12.1.
Variant type: single nucleotide variant.
Coding change: c.392A>G on transcript NM_007194.4 (MANE Select); coding-DNA position 392, A replaced by G.
Protein change: p.Lys131Arg; replaces lysine 131 with arginine.
Molecular consequence: missense variant.
Genome position (GRCh38, 1-based): chr22:28,725,295, T>C on the plus strand (A>G on the coding strand, the complement: CHEK2 is on the minus strand). VCF-style: chr22-28725295-T-C. GRCh37 (hg19) VCF-style: chr22-29121283-T-C.
Other names: c.521A>G, p.Lys174Arg (NM_001005735.3); c.-386A>G (NM_001257387.3); c.392A>G, p.Lys131Arg (NM_001349956.3, NM_145862.3); short protein forms K131R, K174R.
Identifiers: ClinVar variation 584992 (VCV000584992.12), dbSNP rs1569158689, ClinGen allele CA411108038.

ClinVar aggregate classification (germline): Uncertain significance. Review status: criteria provided, multiple submitters, no conflicts (2 of 4 stars). 3 submissions from 3 submitters: Uncertain significance (3). Last evaluated 2025-02-20.

Conditions:
Hereditary cancer-predisposing syndrome. Also called: Tumor predisposition; Neoplastic Syndromes, Hereditary; Hereditary neoplastic syndrome; Hereditary Cancer Syndrome. Identifiers: Orphanet 140162, MedGen C0027672, MeSH D009386, MONDO:0015356.
Familial cancer of breast. Also called: Hereditary breast cancer; hereditary breast carcinoma; BREAST CANCER, FAMILIAL. Identifiers: Orphanet 227535, MedGen C0346153, MONDO:0016419, OMIM 114480. Disease mechanism: loss of function.

Allele frequency attached by ClinVar (database versions not stated): gnomAD exomes below 0.00001.
gnomAD v4.1: 1 of 1,614,184 alleles (0.000062%); highest among the groups gnomAD compares: East Asian, 0.0022%; no homozygotes.

Submissions (3):

Ambry Genetics
Classification: Uncertain significance for Hereditary cancer-predisposing syndrome. Last evaluated: 2025-02-20. Review status: criteria provided, single submitter. Criteria: Ambry Variant Classification Scheme 2023. Collection method: clinical testing. Allele origin: germline.
Comment: The p.K131R variant (also known as c.392A>G), located in coding exon 2 of the CHEK2 gene, results from an A to G substitution at nucleotide position 392. The lysine at codon 131 is replaced by arginine, an amino acid with highly similar properties. This variant was identified in 0 of 7051 unselected female breast cancer patients and 1 of 11241 female controls, 0 of 53 unselected male breast cancer patients and 0 of 12490 male controls, and 0 of 7636 unselected prostate cancer patients and 2 of 12366 male controls of Japanese ancestry (Momozawa Y et al. Nat Commun, 2018 Oct;9:4083; Momozawa Y et al. J Natl Cancer Inst, 2020 Apr;112:369-376). This amino acid position is not well conserved in available vertebrate species. In addition, this alteration is predicted to be tolerated by in silico analysis. Based on the available evidence, the clinical significance of this variant remains unclear.

Labcorp Genetics (formerly Invitae), Labcorp
Classification: Uncertain significance for Familial cancer of breast. Last evaluated: 2023-05-09. Review status: criteria provided, single submitter. Criteria: Invitae Variant Classification Sherloc (09022015). Collection method: clinical testing. Allele origin: germline.
Comment: This sequence change replaces lysine, which is basic and polar, with arginine, which is basic and polar, at codon 131 of the CHEK2 protein (p.Lys131Arg). This variant is not present in population databases (gnomAD no frequency). This variant has not been reported in the literature in individuals affected with CHEK2-related conditions. ClinVar contains an entry for this variant (Variation ID: 584992). Algorithms developed to predict the effect of missense changes on protein structure and function output the following: SIFT: "Not Available"; PolyPhen-2: "Benign"; Align-GVGD: "Not Available". The arginine amino acid residue is found in multiple mammalian species, which suggests that this missense change does not adversely affect protein function. In summary, the available evidence is currently insufficient to determine the role of this variant in disease. Therefore, it has been classified as a Variant of Uncertain Significance.

Mendelics
Classification: Uncertain significance for Familial cancer of breast. Last evaluated: 2018-07-02. Review status: criteria provided, single submitter. Criteria: Mendelics Assertion Criteria 2017. Collection method: clinical testing. Allele origin: unknown.

Literature cited by the submitters: PubMed 30287823 (cited by Ambry Genetics); PubMed 31214711 (cited by Ambry Genetics).